The following is an entry in ClinVar:

NM_006420.3(ARFGEF2):c.1223T>A (p.Leu408Gln)

Gene: ARFGEF2 (ARF guanine nucleotide exchange factor 2; plus strand). Cytogenetic location: 20q13.13.
Variant type: single nucleotide variant.
Coding change: c.1223T>A on transcript NM_006420.3 (MANE Select); coding-DNA position 1223, T replaced by A.
Protein change: p.Leu408Gln; replaces leucine 408 with glutamine.
Molecular consequence: missense variant.
Genome position (GRCh38, 1-based): chr20:48,971,152, T>A. VCF-style: chr20-48971152-T-A. GRCh37 (hg19) VCF-style: chr20-47587689-T-A.
Other names: c.1220T>A, p.Leu407Gln (NM_001410846.1); short protein forms L407Q, L408Q.
Identifiers: ClinVar variation 1954655 (VCV001954655.5), dbSNP rs1354641323, ClinGen allele CA409326511.

ClinVar aggregate classification (germline): Uncertain significance (1 of 4 stars; one submission).

Allele frequency attached by ClinVar (database versions not stated): gnomAD exomes below 0.00001.
gnomAD v4.1: 3 of 1,614,230 alleles (0.00019%); highest among the groups gnomAD compares: Non-Finnish European, 0.00017%; no homozygotes.

Submission:

Labcorp Genetics (formerly Invitae), Labcorp
Classification: Uncertain significance. Last evaluated: 2024-10-26. Review status: criteria provided, single submitter. Criteria: Invitae Variant Classification Sherloc (09022015). Collection method: clinical testing. Allele origin: germline.
Comment: This sequence change replaces leucine, which is neutral and non-polar, with glutamine, which is neutral and polar, at codon 408 of the ARFGEF2 protein (p.Leu408Gln). This variant is present in population databases (no rsID available, gnomAD 0.0009%). This variant has not been reported in the literature in individuals affected with ARFGEF2-related conditions. ClinVar contains an entry for this variant (Variation ID: 1954655). An algorithm developed to predict the effect of missense changes on protein structure and function (PolyPhen-2) suggests that this variant is likely to be disruptive. In summary, the available evidence is currently insufficient to determine the role of this variant in disease. Therefore, it has been classified as a Variant of Uncertain Significance.